The following is an entry in ClinVar:

NM_000256.3(MYBPC3):c.293A>G (p.Glu98Gly)

Gene: MYBPC3 (myosin binding protein C3; minus strand). Cytogenetic location: 11p11.2.
Variant type: single nucleotide variant.
Coding change: c.293A>G on transcript NM_000256.3 (MANE Select); coding-DNA position 293, A replaced by G.
Protein change: p.Glu98Gly; replaces glutamic acid 98 with glycine.
Molecular consequence: missense variant.
Genome position (GRCh38, 1-based): chr11:47,350,615, T>C on the plus strand (A>G on the coding strand, the complement: MYBPC3 is on the minus strand). VCF-style: chr11-47350615-T-C. GRCh37 (hg19) VCF-style: chr11-47372166-T-C.
Other names: short protein forms E98G.
Identifiers: ClinVar variation 1797891 (VCV001797891.2), dbSNP rs2495783963, ClinGen allele CA380341245.

ClinVar aggregate classification (germline): Uncertain significance (1 of 4 stars; one submission).

Conditions:
Cardiovascular phenotype. Identifiers: MedGen CN230736.

Allele frequency attached by ClinVar (database versions not stated): gnomAD exomes below 0.00001.
gnomAD v4.1: 1 of 1,487,146 alleles (0.000067%); highest among the groups gnomAD compares: African/African-American, 0.0015%; no homozygotes.

Submission:

Ambry Genetics
Classification: Uncertain significance for Cardiovascular phenotype. Last evaluated: 2022-04-21. Review status: criteria provided, single submitter. Criteria: Ambry Variant Classification Scheme 2023. Collection method: clinical testing. Allele origin: germline.
Comment: The p.E98G variant (also known as c.293A>G) is located in coding exon 3 of the MYBPC3 gene. The glutamic acid at codon 98 is replaced by glycine, an amino acid with similar properties. This change occurs in the first base pair of coding exon 3. This amino acid position is conserved. In addition, this alteration is predicted to be tolerated by in silico analysis. Since supporting evidence is limited at this time, the clinical significance of this alteration remains unclear.